The following is an entry in ClinVar:

NM_001256071.3(RNF213):c.11695G>A (p.Asp3899Asn)

Genes: RNF213 (ring finger protein 213; plus strand), RNF213-AS1 (RNF213 antisense RNA 1; minus strand). Cytogenetic location: 17q25.3.
Variant type: single nucleotide variant.
Coding change: c.11695G>A on transcript NM_001256071.3 (MANE Select); coding-DNA position 11695, G replaced by A.
Protein change: p.Asp3899Asn; replaces aspartic acid 3899 with asparagine.
Molecular consequence: missense variant.
Genome position (GRCh38, 1-based): chr17:80,363,735, G>A. VCF-style: chr17-80363735-G-A. GRCh37 (hg19) VCF-style: chr17-78337535-G-A.
Other names: c.11842G>A, p.Asp3948Asn (NM_001410195.1, NM_020914.5); short protein forms D3899N, D3948N.
Identifiers: ClinVar variation 2571797 (VCV002571797.1), dbSNP rs768172702, ClinGen allele CA8821903.

ClinVar aggregate classification (germline): Uncertain significance (1 of 4 stars; one submission).

Allele frequency attached by ClinVar (database versions not stated): TOPMed below 0.00001; ExAC 0.00002.
gnomAD v4.1: 5 of 1,613,902 alleles (0.00031%); highest among the groups gnomAD compares: South Asian, 0.0011%; no homozygotes.

Submission:

GeneDx
Classification: Uncertain significance. Last evaluated: 2023-07-08. Review status: criteria provided, single submitter. Criteria: GeneDx Variant Classification Process June 2021. Collection method: clinical testing. Allele origin: germline. Affected: yes.
Comment: Identified in an individual with moyamoya disease in published literature, although additional phenotype and segregation information was not provided (Zhang et al., 2017; Xue et al., 2022); Not observed at a significant frequency in large population cohorts (gnomAD); In silico analysis supports that this missense variant does not alter protein structure/function; This variant is associated with the following publications: (PMID: 35543128, 27128593)